The following is an entry in ClinVar:

NM_007118.4(TRIO):c.2807C>G (p.Thr936Arg)

Gene: TRIO (trio Rho guanine nucleotide exchange factor; plus strand). Cytogenetic location: 5p15.2.
Variant type: single nucleotide variant.
Coding change: c.2807C>G on transcript NM_007118.4 (MANE Select); coding-DNA position 2807, C replaced by G.
Protein change: p.Thr936Arg; replaces threonine 936 with arginine.
Molecular consequence: missense variant. On other transcripts: non-coding transcript variant (1).
Genome position (GRCh38, 1-based): chr5:14,366,912, C>G. VCF-style: chr5-14366912-C-G. GRCh37 (hg19) VCF-style: chr5-14367021-C-G.
Other names: short protein forms T936R.
Identifiers: ClinVar variation 4282009 (VCV004282009.1).

ClinVar aggregate classification (germline): Uncertain significance (1 of 4 stars; one submission).

Submission:

GeneDx
Classification: Uncertain significance. Last evaluated: 2025-04-13. Review status: criteria provided, single submitter. Criteria: GeneDx Variant Classification Process June 2021. Collection method: clinical testing. Allele origin: germline. Affected: yes.
Comment: Not observed at significant frequency in large population cohorts (gnomAD); In silico analysis supports that this missense variant has a deleterious effect on protein structure/function; Has not been previously published as pathogenic or benign to our knowledge